The following is an entry in ClinVar:

ClinVar aggregate classification (germline): Uncertain significance (1 of 4 stars; one submission).

Conditions:
EGFR-related lung cancer (EGFR). Identifiers: MedGen CN130014.

Submission:

Labcorp Genetics (formerly Invitae), Labcorp
Classification: Uncertain significance for EGFR-related lung cancer. Last evaluated: 2024-03-01. Review status: criteria provided, single submitter. Criteria: Invitae Variant Classification Sherloc (09022015). Collection method: clinical testing. Allele origin: germline.
Comment: This sequence change replaces serine, which is neutral and polar, with threonine, which is neutral and polar, at codon 492 of the EGFR protein (p.Ser492Thr). This variant is not present in population databases (gnomAD no frequency). This variant has not been reported in the literature in individuals affected with EGFR-related conditions. Advanced modeling of protein sequence and biophysical properties (such as structural, functional, and spatial information, amino acid conservation, physicochemical variation, residue mobility, and thermodynamic stability) performed at Invitae indicates that this missense variant is not expected to disrupt EGFR protein function with a negative predictive value of 80%. In summary, the available evidence is currently insufficient to determine the role of this variant in disease. Therefore, it has been classified as a Variant of Uncertain Significance.

NM_005228.5(EGFR):c.1475G>C (p.Ser492Thr)

Gene: EGFR (epidermal growth factor receptor; plus strand). Cytogenetic location: 7p11.2.
Variant type: single nucleotide variant.
Coding change: c.1475G>C on transcript NM_005228.5 (MANE Select); coding-DNA position 1475, G replaced by C.
Protein change: p.Ser492Thr; replaces serine 492 with threonine.
Molecular consequence: missense variant.
Genome position (GRCh38, 1-based): chr7:55,160,315, G>C. VCF-style: chr7-55160315-G-C. GRCh37 (hg19) VCF-style: chr7-55228008-G-C.
Other names: c.1340G>C, p.Ser447Thr (NM_001346897.2, NM_001346899.2); c.1475G>C, p.Ser492Thr (NM_001346898.2, NM_201282.2, NM_201284.2); c.1316G>C, p.Ser439Thr (NM_001346900.2); c.674G>C, p.Ser225Thr (NM_001346941.2); short protein forms S492T, S225T, S439T, S447T.
Identifiers: ClinVar variation 3643881 (VCV003643881.2).